The following is an entry in ClinVar:

NM_006947.4(SRP72):c.1238T>C (p.Val413Ala)

Gene: SRP72 (signal recognition particle 72; plus strand). Cytogenetic location: 4q12.
Variant type: single nucleotide variant.
Coding change: c.1238T>C on transcript NM_006947.4 (MANE Select); coding-DNA position 1238, T replaced by C.
Protein change: p.Val413Ala; replaces valine 413 with alanine.
Molecular consequence: missense variant. On other transcripts: non-coding transcript variant (1).
Genome position (GRCh38, 1-based): chr4:56,489,401, T>C. VCF-style: chr4-56489401-T-C. GRCh37 (hg19) VCF-style: chr4-57355567-T-C.
Other names: c.1055T>C, p.Val352Ala (NM_001267722.2); short protein forms V352A, V413A.
Identifiers: ClinVar variation 3801508 (VCV003801508.1).

ClinVar aggregate classification (germline): Uncertain significance (1 of 4 stars; one submission).

Submission:

Ambry Genetics
Classification: Uncertain significance. Last evaluated: 2025-03-01. Review status: criteria provided, single submitter. Criteria: Ambry Variant Classification Scheme 2023. Collection method: clinical testing. Allele origin: germline.
Comment: The p.V413A variant (also known as c.1238T>C), located in coding exon 13 of the SRP72 gene, results from a T to C substitution at nucleotide position 1238. The valine at codon 413 is replaced by alanine, an amino acid with similar properties. This amino acid position is conserved. In addition, this alteration is predicted to be deleterious by in silico analysis. Based on the available evidence, the clinical significance of this variant remains unclear.